The following is an entry in ClinVar:

NM_001009944.3(PKD1):c.11023del (p.Leu3675fs)

Genes: PKD1 (polycystin 1, transient receptor potential channel interacting; minus strand), PKD1-AS1 (PKD1 antisense RNA 1; plus strand). Cytogenetic location: 16p13.3.
Variant type: Deletion.
Coding change: c.11023del on transcript NM_001009944.3 (MANE Select); coding-DNA position 11023, one base deleted (C; older notation c.11023delC).
Protein change: p.Leu3675fs; shifts the reading frame from leucine 3675.
Molecular consequence: frameshift variant.
Genome position (GRCh38, 1-based): chr16:2,093,087, G deleted on the plus strand (C on the coding strand, the reverse complement: PKD1 is on the minus strand); the first of 2 consecutive G bases (chr16:2,093,087-2,093,088); deleting either gives the same sequence. VCF-style (leftmost placement, unchanged base first): chr16-2093086-AG-A. GRCh37 (hg19) VCF-style: chr16-2143087-AG-A.
Other names: c.11020del, p.Leu3674fs (NM_000296.4); short protein forms L3674fs, L3675fs.
Identifiers: ClinVar variation 3066144 (VCV003066144.1), dbSNP rs2544639462, ClinGen allele CA2740097824.
Genomic context (GRCh38, chr16:2,093,086, plus strand): 5'-TGGCATGAGGCATCCCCATAGCTGGCCAGCAGGGTCACCAGCAGAAAAAGCATGTACACC[AG>A]GAGGCTCTGGTGGACGGGGGGGCCCTGTGGTCAGCCTGGCCCCAGCCCACAGTGACAGCA-3'

ClinVar aggregate classification (germline): Pathogenic (1 of 4 stars; one submission).

Conditions:
Polycystic kidney disease, adult type (PKD1). Also called: Polycystic Kidney, Autosomal Dominant; POLYCYSTIC KIDNEY DISEASE 1 WITH OR WITHOUT POLYCYSTIC LIVER DISEASE; Polycystic Kidney Disease 1, Autosomal Dominant; Polycystic kidney disease 1; Polycystic kidney disease 1, severe; POLYCYSTIC KIDNEY DISEASE, ADULT, TYPE I. Identifiers: MedGen C3149841, MONDO:0008263, OMIM 173900.

Submission:

MVZ Medizinische Genetik Mainz
Classification: Pathogenic for Polycystic kidney disease, adult type. Last evaluated: 2022-05-17. Review status: criteria provided, single submitter. Criteria: UK Practice Guidelines For Variant Classification V4 01 2020. Collection method: clinical testing. Allele origin: germline. Inheritance: Autosomal dominant inheritance. Affected: yes. Observed: 1 variant allele.
Comment: ACMG Criteria: PVS1, PM2_SUP, PP4 (ACMG Version 3)